The following is an entry in ClinVar:

NM_004984.4(KIF5A):c.*421C>T

Gene: KIF5A (kinesin family member 5A; plus strand). Cytogenetic location: 12q13.3.
Variant type: single nucleotide variant.
Coding change: c.*421C>T on transcript NM_004984.4 (MANE Select); 421 bases downstream of the stop codon, C replaced by T.
Molecular consequence: 3 prime UTR variant.
Genome position (GRCh38, 1-based): chr12:57,584,602, C>T. VCF-style: chr12-57584602-C-T. GRCh37 (hg19) VCF-style: chr12-57978385-C-T.
Other names: c.*421C>T (NM_001354705.2).
Identifiers: ClinVar variation 1694670 (VCV001694670.31), dbSNP rs1005821727, ClinGen allele CA237792939.

ClinVar aggregate classification (germline): Likely benign (1 of 4 stars; one submission).

Submission:

CeGaT Center for Human Genetics Tuebingen
Classification: Likely benign. Last evaluated: 2023-03-01. Review status: criteria provided, single submitter. Criteria: CeGaT Center For Human Genetics Tuebingen Variant Classification Criteria Version 2. Collection method: clinical testing. Allele origin: germline. Affected: yes. Observed: 2 variant alleles.
Comment: KIF5A: BS1